The following is an entry in ClinVar:

NM_001388453.1(QRICH2):c.2601T>C (p.Asp867=)

Gene: QRICH2 (glutamine rich 2; minus strand). Cytogenetic location: 17q25.1.
Variant type: single nucleotide variant.
Coding change: c.2601T>C on transcript NM_001388453.1 (MANE Select); coding-DNA position 2601, T replaced by C.
Protein change: p.Asp867=; no amino-acid change (aspartic acid 867 retained).
Molecular consequence: synonymous variant.
Genome position (GRCh38, 1-based): chr17:76,292,126, A>G on the plus strand (T>C on the coding strand, the complement: QRICH2 is on the minus strand). VCF-style: chr17-76292126-A-G. GRCh37 (hg19) VCF-style: chr17-74288207-A-G.
Other names: c.2601T>C, p.Asp867= (NM_032134.3).
Identifiers: ClinVar variation 3388958 (VCV003388958.14).
Genomic context (GRCh38, chr17:76,292,126, plus strand): 5'-GTCCATTCCAGGTTGGACCAAACCACGCTGATCCACTCCAGGTTGCACCAAACCACGCTG[A>G]TCCACTCCAGGTTGGACCAAACCACGCTGATCTGCACCAGGTTGGACCAAACCATGCTGA-3'
Protein context (NP_001375382.1, residues 857-877): DQRGLVQPGV[Asp867=]QRGLVQPGVD

ClinVar aggregate classification (germline): Likely benign (1 of 4 stars; one submission).

Submission:

CeGaT Center for Human Genetics Tuebingen
Classification: Likely benign. Last evaluated: 2025-11-01. Review status: criteria provided, single submitter. Criteria: CeGaT Center For Human Genetics Tuebingen Variant Classification Criteria Version 2. Collection method: clinical testing. Allele origin: germline. Affected: yes. Observed: 2 variant alleles.
Comment: QRICH2: PM2:Supporting, BP4, BP7